The following is an entry in ClinVar:

NM_001199107.2(TBC1D24):c.194G>T (p.Arg65Leu)

Gene: TBC1D24 (TBC1 domain family member 24; plus strand). Cytogenetic location: 16p13.3.
Variant type: single nucleotide variant.
Coding change: c.194G>T on transcript NM_001199107.2 (MANE Select); coding-DNA position 194, G replaced by T.
Protein change: p.Arg65Leu; replaces arginine 65 with leucine.
Molecular consequence: missense variant.
Genome position (GRCh38, 1-based): chr16:2,496,342, G>T. VCF-style: chr16-2496342-G-T. GRCh37 (hg19) VCF-style: chr16-2546343-G-T.
Other names: c.194G>T, p.Arg65Leu (NM_020705.3); short protein forms R65L.
Identifiers: ClinVar variation 236046 (VCV000236046.1), dbSNP rs878853232, ClinGen allele CA10581511.

ClinVar aggregate classification (germline): Pathogenic (0 of 4 stars; one submission).

Conditions:
Autosomal recessive nonsyndromic hearing loss 86 (DFNB86). Also called: TBC1D24-Related Autosomal Recessive Nonsyndromic Hearing Loss (DFNB); Deafness , autosomal recessive 86. Identifiers: Orphanet 90636, MedGen C2829265, MONDO:0013826, OMIM 614617.

Submission:

Laboratory of Prof. Karen Avraham, Tel Aviv University
Classification: Pathogenic for Autosomal recessive nonsyndromic hearing loss 86. Last evaluated: 2016-02-16. Review status: no assertion criteria provided. Collection method: research. Allele origin: germline. Affected: yes.
Comment: Congenital, progressive, severe-profound HL

NSHL; recessive, DFNB86